The following is an entry in ClinVar:

ClinVar aggregate classification (germline): Uncertain significance (0 of 4 stars; one submission).

Conditions:
NRP2-related disorder. Also called: NRP2-related condition.

Allele frequency attached by ClinVar (database versions not stated): TOPMed below 0.00001; gnomAD 0.00001; ExAC 0.00002.
gnomAD v4.1: 13 of 1,614,122 alleles (0.00081%); highest among the groups gnomAD compares: East Asian, 0.0067%; no homozygotes.

Submission:

PreventionGenetics, part of Exact Sciences
Classification: Uncertain significance for NRP2-related condition. Last evaluated: 2024-01-29. Review status: no assertion criteria provided. Collection method: clinical testing. Allele origin: germline.
Comment: The NRP2 c.2116C>G variant is predicted to result in the amino acid substitution p.Pro706Ala. To our knowledge, this variant has not been reported in the literature. This variant is reported in 0.0065% of alleles in individuals of South Asian descent in gnomAD. At this time, the clinical significance of this variant is uncertain due to the absence of conclusive functional and genetic evidence.

NM_003872.3(NRP2):c.2116C>G (p.Pro706Ala)

Gene: NRP2 (neuropilin 2; plus strand). Cytogenetic location: 2q33.3.
Variant type: single nucleotide variant.
Coding change: c.2116C>G on transcript NM_003872.3 (MANE Select); coding-DNA position 2116, C replaced by G.
Protein change: p.Pro706Ala; replaces proline 706 with alanine.
Molecular consequence: missense variant.
Genome position (GRCh38, 1-based): chr2:205,763,745, C>G. VCF-style: chr2-205763745-C-G. GRCh37 (hg19) VCF-style: chr2-206628469-C-G.
Other names: c.2116C>G, p.Pro706Ala (NM_018534.4, NM_201266.2, NM_201267.2 and 1 more transcripts); short protein forms P706A.
Identifiers: ClinVar variation 3031339 (VCV003031339.2), dbSNP rs779250419, ClinGen allele CA2069322.